The following is an entry in ClinVar:

NM_212482.4(FN1):c.4660A>G (p.Ser1554Gly)

Gene: FN1 (fibronectin 1; minus strand). Cytogenetic location: 2q35.
Variant type: single nucleotide variant.
Coding change: c.4660A>G on transcript NM_212482.4 (MANE Select); coding-DNA position 4660, A replaced by G.
Protein change: p.Ser1554Gly; replaces serine 1554 with glycine.
Molecular consequence: missense variant.
Genome position (GRCh38, 1-based): chr2:215,384,929, T>C on the plus strand (A>G on the coding strand, the complement: FN1 is on the minus strand). VCF-style: chr2-215384929-T-C. GRCh37 (hg19) VCF-style: chr2-216249652-T-C.
Other names: c.4660A>G, p.Ser1554Gly (NM_001306129.2, NM_001306130.2, NM_001365517.2 and 3 more transcripts); c.4387A>G, p.Ser1463Gly (NM_001306131.2, NM_001306132.2, NM_001365518.2 and 7 more transcripts); short protein forms S1463G, S1554G.
Identifiers: ClinVar variation 3516299 (VCV003516299.3).
Genomic context (GRCh38, chr2:215,384,929, plus strand): 5'-CGTAAGTGATCCTGTAATATCTCACTGTGACAGCAGGAGCATCCCAGCTGATCAGTAGGC[T>C]GGTGGGGGTCGCAGCAACAACTTCCAGGTCCCTCGGAACATCAGAAACTAGAAAAAAAAG-3'
Protein context (NP_997647.2, residues 1544-1564): DLEVVAATPT[Ser1554Gly]LLISWDAPAV

ClinVar aggregate classification (germline): Uncertain significance. Review status: criteria provided, multiple submitters, no conflicts (2 of 4 stars). 2 submissions from 2 submitters: Uncertain significance (2). Last evaluated 2025-01-23.

Conditions:
Inborn genetic diseases. Identifiers: MedGen C0950123, MeSH D030342.

gnomAD v4.1: 2 of 1,614,020 alleles (0.00012%); highest among the groups gnomAD compares: Admixed American, 0.0017%; no homozygotes.

Submissions (2):

Labcorp Genetics (formerly Invitae), Labcorp
Classification: Uncertain significance. Last evaluated: 2025-01-23. Review status: criteria provided, single submitter. Criteria: Invitae Variant Classification Sherloc (09022015). Collection method: clinical testing. Allele origin: germline.
Comment: This sequence change replaces serine, which is neutral and polar, with glycine, which is neutral and non-polar, at codon 1554 of the FN1 protein (p.Ser1554Gly). This variant is not present in population databases (gnomAD no frequency). This variant has not been reported in the literature in individuals affected with FN1-related conditions. ClinVar contains an entry for this variant (Variation ID: 3516299). An algorithm developed to predict the effect of missense changes on protein structure and function (PolyPhen-2) suggests that this variant is likely to be disruptive. In summary, the available evidence is currently insufficient to determine the role of this variant in disease. Therefore, it has been classified as a Variant of Uncertain Significance.

Ambry Genetics
Classification: Uncertain significance for Inborn genetic diseases. Last evaluated: 2024-08-11. Review status: criteria provided, single submitter. Criteria: Ambry Variant Classification Scheme 2023. Collection method: clinical testing. Allele origin: germline.